The following is an entry in ClinVar:

ClinVar aggregate classification (germline): Pathogenic (1 of 4 stars; one submission).

Conditions:
Ataxia-telangiectasia syndrome (AT). Also called: Ataxia-telangiectasia, complementation group E; Ataxia-telangiectasia; ATAXIA-TELANGIECTASIA, COMPLEMENTATION GROUP A; Ataxia-telangiectasia, complementation group D; Ataxia telangiectasia (A-T); LOUIS-BAR SYNDROME. Identifiers: Orphanet 100, MedGen C0004135, MONDO:0008840, OMIM 208900.

Submission:

Labcorp Genetics (formerly Invitae), Labcorp
Classification: Pathogenic for Ataxia-telangiectasia syndrome. Last evaluated: 2024-04-08. Review status: criteria provided, single submitter. Criteria: Invitae Variant Classification Sherloc (09022015). Collection method: clinical testing. Allele origin: germline.
Comment: This sequence change creates a premature translational stop signal (p.Leu1472Lysfs*21) in the ATM gene. It is expected to result in an absent or disrupted protein product. Loss-of-function variants in ATM are known to be pathogenic (PMID: 23807571, 25614872). This variant is not present in population databases (gnomAD no frequency). This variant has not been reported in the literature in individuals affected with ATM-related conditions. ClinVar contains an entry for this variant (Variation ID: 1999185). For these reasons, this variant has been classified as Pathogenic.

Literature cited by the submitters: PubMed 23807571; PubMed 25614872.

NM_000051.4(ATM):c.4413_4431del (p.Leu1472fs)

Gene: ATM (ATM serine/threonine kinase; plus strand). Cytogenetic location: 11q22.3.
Variant type: Deletion.
Coding change: c.4413_4431del on transcript NM_000051.4 (MANE Select); coding-DNA positions 4413 to 4431, 19 bases deleted (TTTGATTCACTATATCAAC).
Protein change: p.Leu1472fs; shifts the reading frame from leucine 1472.
Molecular consequence: frameshift variant.
Genome position (GRCh38, 1-based): chr11:108,289,778-108,289,796, TTTGATTCACTATATCAAC deleted; deleting any 19 consecutive bases within chr11:108,289,776-108,289,796 gives the same sequence; the c. name uses the placement nearest the transcript's 3' end. VCF-style (leftmost placement, unchanged base first): chr11-108289775-TACTTTGATTCACTATATCA-T. GRCh37 (hg19) VCF-style: chr11-108160502-TACTTTGATTCACTATATCA-T.
Other names: c.4413_4431del, p.Leu1472fs (NM_001351834.2); short protein forms L1472fs.
Identifiers: ClinVar variation 1999185 (VCV001999185.4), dbSNP rs2546910617, ClinGen allele CA2580083236.